The following is an entry in ClinVar:

NM_001042492.3(NF1):c.672_673delinsTT (p.Glu225Ter)

Gene: NF1 (neurofibromin 1; plus strand). Cytogenetic location: 17q11.2.
Variant type: Indel.
Coding change: c.672_673delinsTT on transcript NM_001042492.3 (MANE Select); coding-DNA positions 672 to 673, AG replaced by TT.
Protein change: p.Glu225Ter; replaces glutamic acid 225 with a stop codon.
Molecular consequence: nonsense.
Genome position (GRCh38, 1-based): chr17:31,181,727-31,181,728, AG replaced by TT. VCF-style: chr17-31181727-AG-TT. GRCh37 (hg19) VCF-style: chr17-29508745-AG-TT.
Other names: c.672_673delinsTT, p.Glu225Ter (NM_001128147.3); c.672_673delAGinsTT, p.Glu225Ter (NM_000267.4); short protein forms E225*.
Identifiers: ClinVar variation 2847393 (VCV002847393.3), dbSNP rs2544749725, ClinGen allele CA2739267279.
Genomic context (GRCh38, chr17:31,181,727, plus strand): 5'-TTACAAAAAATCACTGTAAAGACATGTGGTTCTTTATTTATAGGCATTTTGGAACTGGGT[AG>TT]AAAATTATCCAGATGAATTTACAAAACTGTACCAGATCCCACAGACTGATATGGCTGGTA-3'

ClinVar aggregate classification (germline): Pathogenic (1 of 4 stars; one submission).

Conditions:
Neurofibromatosis, type 1 (NF1). Also called: Neurofibromatosis, type I; VON RECKLINGHAUSEN DISEASE; NEUROFIBROMATOSIS, TYPE I, SOMATIC; Peripheral type neurofibromatosis. Identifiers: Orphanet 636, MedGen C0027831, MONDO:0018975, OMIM 162200. Disease mechanism: loss of function.

Submission:

Labcorp Genetics (formerly Invitae), Labcorp
Classification: Pathogenic for Neurofibromatosis, type 1. Last evaluated: 2023-03-19. Review status: criteria provided, single submitter. Criteria: Invitae Variant Classification Sherloc (09022015). Collection method: clinical testing. Allele origin: germline.
Comment: Information on the frequency of this variant in the gnomAD database is not available, as this variant may be reported differently in the database. This sequence change creates a premature translational stop signal (p.Glu225*) in the NF1 gene. It is expected to result in an absent or disrupted protein product. Loss-of-function variants in NF1 are known to be pathogenic (PMID: 10712197, 23913538). This premature translational stop signal has been observed in individual(s) with neurofibromatosis type 1 (PMID: 17311297). For these reasons, this variant has been classified as Pathogenic.

Literature cited by the submitters: PubMed 10712197; PubMed 23913538; PubMed 17311297.